The following is an entry in ClinVar:

NM_002474.3(MYH11):c.3541_3542delinsGC (p.Lys1181Ala)

Gene: MYH11 (myosin heavy chain 11; minus strand). Cytogenetic location: 16p13.11.
Variant type: Indel.
Coding change: c.3541_3542delinsGC on transcript NM_002474.3 (MANE Select); coding-DNA positions 3541 to 3542, AA replaced by GC.
Protein change: p.Lys1181Ala; replaces lysine 1181 with alanine.
Molecular consequence: missense variant.
Genome position (GRCh38, 1-based): chr16:15,732,673-15,732,674, TT replaced by GC on the plus strand (AA replaced by GC on the coding strand, the reverse complement: MYH11 is on the minus strand). VCF-style: chr16-15732673-TT-GC. GRCh37 (hg19) VCF-style: chr16-15826530-TT-GC.
Other names: c.3541_3542delinsGC (NM_002474.2); c.3562_3563delinsGC, p.Lys1188Ala (NM_001040113.2, NM_001040114.2); c.3541_3542delinsGC, p.Lys1181Ala (NM_022844.3); short protein forms K1181A, K1188A.
Identifiers: ClinVar variation 504467 (VCV000504467.8), dbSNP rs1555555783, ClinGen allele CA658798550.
Genomic context (GRCh38, chr16:15,732,673, plus strand): 5'-TGTTTCTGCCTCATCTCCTGGACCTGAGCCTCATGGGACCGCGTCTCTTCATCCAGGGCC[TT>GC]CTTCAGCACCGTCACCTCCTGCTCCCTCTTGGCCCTTGGTGGGAGGAACACAGTGAATGG-3'
Protein context (NP_002465.1, residues 1171-1191): KREQEVTVLK[Lys1181Ala]ALDEETRSHE

ClinVar aggregate classification (germline): Uncertain significance. Review status: criteria provided, multiple submitters, no conflicts (2 of 4 stars). 3 submissions from 3 submitters: Uncertain significance (3). Last evaluated 2025-06-11.

Conditions:
Familial thoracic aortic aneurysm and aortic dissection (TAAD). Also called: Thoracic aortic aneurysms and dissections. Identifiers: Orphanet 91387, MedGen C4707243, MONDO:0019625.
Aortic aneurysm, familial thoracic 4 (AAT4). Also called: AORTIC ANEURYSM/AORTIC DISSECTION AND PATENT DUCTUS ARTERIOSUS. Identifiers: MedGen C1851504, MONDO:0007568, OMIM 132900.

Submissions (3):

GeneDx
Classification: Uncertain significance. Last evaluated: 2025-06-11. Review status: criteria provided, single submitter. Criteria: GeneDx Variant Classification Process June 2021. Collection method: clinical testing. Allele origin: germline. Affected: yes.
Comment: Not observed at significant frequency in large population cohorts (gnomAD); In silico analysis supports a deleterious effect on protein structure/function; Has not been previously published as pathogenic or benign to our knowledge

Labcorp Genetics (formerly Invitae), Labcorp
Classification: Uncertain significance for Aortic aneurysm, familial thoracic 4. Last evaluated: 2025-04-14. Review status: criteria provided, single submitter. Criteria: Invitae Variant Classification Sherloc (09022015). Collection method: clinical testing. Allele origin: germline.
Comment: This sequence change replaces lysine, which is basic and polar, with alanine, which is neutral and non-polar, at codon 1188 of the MYH11 protein (p.Lys1188Ala). This variant is present in population databases (no rsID available, gnomAD 0.004%). This variant has not been reported in the literature in individuals affected with MYH11-related conditions. ClinVar contains an entry for this variant (Variation ID: 504467). An algorithm developed to predict the effect of missense changes on protein structure and function (PolyPhen-2) suggests that this variant is likely to be tolerated. In summary, the available evidence is currently insufficient to determine the role of this variant in disease. Therefore, it has been classified as a Variant of Uncertain Significance.

Color Diagnostics, LLC DBA Color Health
Classification: Uncertain significance for Familial thoracic aortic aneurysm and aortic dissection. Last evaluated: 2023-12-04. Review status: criteria provided, single submitter. Criteria: ACMG Guidelines, 2015. Collection method: clinical testing. Allele origin: germline.
Comment: This variant causes a substitution of two nucleotides, replacing lysine with alanine at codon 1188 of the MYH11 protein. To our knowledge, functional studies have not been reported for this variant. This variant has not been reported in individuals affected with cardiovascular disorders in the literature. This variant has not been identified in the general population by the Genome Aggregation Database (gnomAD). The available evidence is insufficient to determine the role of this variant in disease conclusively. Therefore, this variant is classified as a Variant of Uncertain Significance.